The following is an entry in ClinVar:

NM_000341.4(SLC3A1):c.782_804del (p.Asn261fs)

Gene: SLC3A1 (solute carrier family 3 member 1; plus strand). Cytogenetic location: 2p21.
Variant type: Deletion.
Coding change: c.782_804del on transcript NM_000341.4 (MANE Select); coding-DNA positions 782 to 804, 23 bases deleted (ACTCCAGTTGGCACTTTGACGAA).
Protein change: p.Asn261fs; shifts the reading frame from asparagine 261.
Molecular consequence: frameshift variant.
Genome position (GRCh38, 1-based): chr2:44,286,048-44,286,070, ACTCCAGTTGGCACTTTGACGAA deleted; deleting any 23 consecutive bases within chr2:44,286,045-44,286,070 gives the same sequence; the c. name uses the placement nearest the transcript's 3' end. VCF-style (leftmost placement, unchanged base first): chr2-44286044-GGAAACTCCAGTTGGCACTTTGAC-G. GRCh37 (hg19) VCF-style: chr2-44513183-GGAAACTCCAGTTGGCACTTTGAC-G.
Other names: short protein forms N261fs.
Identifiers: ClinVar variation 945849 (VCV000945849.9), dbSNP rs747035900, ClinGen allele CA1640271.
Genomic context (GRCh38, chr2:44,286,044, plus strand): 5'-GGCAATACCATTATAGGTCACTGATGTGCTGTTTTCTTTGTTTGCCAGTTAAGTGTGTAT[GGAAACTCCAGTTGGCACTTTGAC>G]GAAGTGCGAAACCAATGTTATTTTCATCAGTTTATGAAAGAGCAACCTGATTTAAATTTC-3'

ClinVar aggregate classification (germline): Pathogenic (1 of 4 stars; one submission).

Conditions:
Cystinuria (CSNU). Also called: CYSTINURIA, TYPE I; CYSTINURIA, TYPE II; CYSTINURIA, TYPE III; Cystinuria, non-type I. Identifiers: Orphanet 214, MedGen C0010691, MONDO:0009067, OMIM 220100, HP:0003131.

Submission:

Labcorp Genetics (formerly Invitae), Labcorp
Classification: Pathogenic for Cystinuria. Last evaluated: 2025-06-19. Review status: criteria provided, single submitter. Criteria: Invitae Variant Classification Sherloc (09022015). Collection method: clinical testing. Allele origin: germline.
Comment: This sequence change creates a premature translational stop signal (p.Asn261Serfs*16) in the SLC3A1 gene. It is expected to result in an absent or disrupted protein product. Loss-of-function variants in SLC3A1 are known to be pathogenic (PMID: 24610330, 25109415, 25964309). This variant is present in population databases (rs747035900, gnomAD 0.0009%). This premature translational stop signal has been observed in individual(s) with cystinuria (PMID: 9768685). This variant is also known as del 782A-804A. ClinVar contains an entry for this variant (Variation ID: 945849). For these reasons, this variant has been classified as Pathogenic.

Literature cited by the submitters: PubMed 24610330; PubMed 25109415; PubMed 25964309; PubMed 9768685.